The following is an entry in ClinVar:

ClinVar aggregate classification (germline): Benign/Likely benign. Review status: criteria provided, multiple submitters, no conflicts (2 of 4 stars). 4 submissions from 4 submitters: Benign (1); Likely benign (3). Last evaluated 2025-09-01.

Conditions:
Hereditary cancer-predisposing syndrome. Also called: Tumor predisposition; Neoplastic Syndromes, Hereditary; Hereditary Cancer Syndrome; Hereditary neoplastic syndrome. Identifiers: Orphanet 140162, MedGen C0027672, MeSH D009386, MONDO:0015356.
Familial cancer of breast. Also called: BREAST CANCER, FAMILIAL; hereditary breast carcinoma; Hereditary breast cancer. Identifiers: Orphanet 227535, MedGen C0346153, MONDO:0016419, OMIM 114480. Disease mechanism: loss of function.
Ataxia-telangiectasia syndrome (AT). Also called: Ataxia-telangiectasia; Ataxia-telangiectasia, complementation group D; AT, COMPLEMENTATION GROUP C; LOUIS-BAR SYNDROME; Cerebello-oculocutaneous telangiectasia; Immunodeficiency with ataxia telangiectasia. Identifiers: Orphanet 100, MedGen C0004135, MONDO:0008840, OMIM 208900.

Submissions (4):

Ambry Genetics
Classification: Likely benign for Hereditary cancer-predisposing syndrome. Last evaluated: 2025-09-01. Review status: criteria provided, single submitter. Criteria: Ambry Variant Classification Scheme 2023. Collection method: clinical testing. Allele origin: germline.

Myriad Genetics, Inc.
Classification: Benign for Familial cancer of breast. Last evaluated: 2024-04-22. Review status: criteria provided, single submitter. Criteria: Myriad Autosomal Dominant, Autosomal Recessive and X-Linked Classification Criteria (2023). Collection method: clinical testing. Allele origin: unknown.
Comment: This variant is considered benign. This variant is a silent/synonymous amino acid change and it is not expected to impact splicing.

Labcorp Genetics (formerly Invitae), Labcorp
Classification: Likely benign for Ataxia-telangiectasia syndrome. Last evaluated: 2020-01-10. Review status: criteria provided, single submitter. Criteria: Invitae Variant Classification Sherloc (09022015). Collection method: clinical testing. Allele origin: germline.

Color Diagnostics, LLC DBA Color Health
Classification: Likely benign for Hereditary cancer-predisposing syndrome. Last evaluated: 2016-07-25. Review status: criteria provided, single submitter. Criteria: ACMG Guidelines, 2015. Collection method: clinical testing. Allele origin: germline.

NM_000051.4(ATM):c.687A>C (p.Leu229=)

Gene: ATM (ATM serine/threonine kinase; plus strand). Cytogenetic location: 11q22.3.
Variant type: single nucleotide variant.
Coding change: c.687A>C on transcript NM_000051.4 (MANE Select); coding-DNA position 687, A replaced by C.
Protein change: p.Leu229=; no amino-acid change (leucine 229 retained).
Molecular consequence: synonymous variant.
Genome position (GRCh38, 1-based): chr11:108,244,812, A>C. VCF-style: chr11-108244812-A-C. GRCh37 (hg19) VCF-style: chr11-108115539-A-C.
Other names: c.687A>C, p.Leu229= (NM_001351834.2).
Identifiers: ClinVar variation 490679 (VCV000490679.16), dbSNP rs3218706, ClinGen allele CA476744617.
Genomic context (GRCh38, chr11:108,244,812, plus strand): 5'-TGTTATACCCAGTTGAGCTTGTTTGTTTCTTCACAGACAAGAAAAGAGCTCTTCAGGTCT[A>C]AATCATATCTTAGCAGCTCTTACTATCTTCCTCAAGACTTTGGCTGTCAACTTTCGAATT-3'
Protein context (NP_000042.3, residues 219-239): CARQEKSSSG[Leu229=]NHILAALTIF